The following is an entry in ClinVar:

ClinVar aggregate classification (germline): Conflicting classifications of pathogenicity. Review status: criteria provided, conflicting classifications (1 of 4 stars). 3 submissions from 3 submitters: Likely pathogenic (1); Uncertain significance (1). 1 of the submissions does not count toward it. Last evaluated 2022-01-06.

Conditions:
Neuronal ceroid lipofuscinosis 2. Also called: TPP1-Related Neuronal Ceroid-Lipofuscinosis; JANSKY-BIELSCHOWSKY DISEASE NEURONAL CEROID LIPOFUSCINOSIS, LATE INFANTILE. Identifiers: Orphanet 168491, Orphanet 228349, Orphanet 79264, MedGen C1876161, MONDO:0008769, OMIM 204500.

Allele frequency attached by ClinVar (database versions not stated): gnomAD exomes 0.00001; gnomAD 0.00002 and 0.00003; TOPMed 0.00002.
gnomAD v4.1: 8 of 1,571,462 alleles (0.00051%); highest among the groups gnomAD compares: Non-Finnish European, 0.0006%; no homozygotes.

Submissions (3):

GeneDx
Classification: Likely pathogenic. Last evaluated: 2022-01-06. Review status: criteria provided, single submitter. Criteria: GeneDx Variant Classification Process June 2021. Collection method: clinical testing. Allele origin: germline. Affected: yes.
Comment: Not observed at significant frequency in large population cohorts (gnomAD); In-silico analysis, which includes splice predictors and evolutionary conservation, is inconclusive as to whether the variant alters gene splicing. In the absence of RNA/functional studies, the actual effect of this sequence change is unknown.; In silico analysis supports a deleterious effect on splicing; This variant is associated with the following publications: (PMID: 31283065, 25525159, 10477428, 21990111, 10330339)

Eurofins Ntd Llc (ga)
Classification: Uncertain significance. Last evaluated: 2018-09-13. Review status: criteria provided, single submitter. Criteria: EGL ClinVar v180209 classification definitions. Collection method: clinical testing. Allele origin: germline. Observed: 1 variant allele, 1 heterozygote.

Counsyl
Classification: Uncertain significance for Neuronal ceroid lipofuscinosis 2. Last evaluated: 2019-01-23. Review status: no assertion criteria provided. Collection method: clinical testing. Allele origin: unknown. Not counted in ClinVar's aggregate classification.

Literature cited by the submitters: PubMed 10330339 (cited by Counsyl).

NM_000391.4(TPP1):c.887-18A>G

Gene: TPP1 (tripeptidyl peptidase 1; minus strand). Cytogenetic location: 11p15.4.
Variant type: single nucleotide variant.
Coding change: c.887-18A>G on transcript NM_000391.4 (MANE Select); 18 bases into the intron before coding-DNA position 887, A replaced by G.
Molecular consequence: intron variant.
Genome position (GRCh38, 1-based): chr11:6,616,521, T>C on the plus strand (A>G on the coding strand, the complement: TPP1 is on the minus strand). VCF-style: chr11-6616521-T-C. GRCh37 (hg19) VCF-style: chr11-6637752-T-C.
Identifiers: ClinVar variation 381560 (VCV000381560.12), dbSNP rs935526225, ClinGen allele CA16606000.